The following is an entry in ClinVar:

ClinVar aggregate classification (germline): Uncertain significance. Review status: criteria provided, multiple submitters, no conflicts (2 of 4 stars). 2 submissions from 2 submitters: Uncertain significance (2). Last evaluated 2025-07-30.

Conditions:
Cardiovascular phenotype. Identifiers: MedGen CN230736.
Hereditary cancer-predisposing syndrome. Also called: Neoplastic Syndromes, Hereditary; Tumor predisposition; Hereditary neoplastic syndrome; Hereditary Cancer Syndrome. Identifiers: Orphanet 140162, MedGen C0027672, MeSH D009386, MONDO:0015356.
Neurofibromatosis, type 1 (NF1). Also called: Peripheral type neurofibromatosis; VON RECKLINGHAUSEN DISEASE; NEUROFIBROMATOSIS, TYPE I, SOMATIC; Neurofibromatosis, type I. Identifiers: Orphanet 636, MedGen C0027831, MONDO:0018975, OMIM 162200. Disease mechanism: loss of function.

Submissions (2):

Labcorp Genetics (formerly Invitae), Labcorp
Classification: Uncertain significance for Neurofibromatosis, type 1. Last evaluated: 2025-07-30. Review status: criteria provided, single submitter. Criteria: Invitae Variant Classification Sherloc (09022015). Collection method: clinical testing. Allele origin: germline.
Comment: This sequence change replaces glutamic acid, which is acidic and polar, with alanine, which is neutral and non-polar, at codon 2727 of the NF1 protein (p.Glu2727Ala). This variant is not present in population databases (gnomAD no frequency). This variant has not been reported in the literature in individuals affected with NF1-related conditions. ClinVar contains an entry for this variant (Variation ID: 1762317). Invitae Evidence Modeling of protein sequence and biophysical properties (such as structural, functional, and spatial information, amino acid conservation, physicochemical variation, residue mobility, and thermodynamic stability) indicates that this missense variant is not expected to disrupt NF1 protein function with a negative predictive value of 95%. In summary, the available evidence is currently insufficient to determine the role of this variant in disease. Therefore, it has been classified as a Variant of Uncertain Significance.

Ambry Genetics
Classification: Uncertain significance for Cardiovascular phenotype; Hereditary cancer-predisposing syndrome. Last evaluated: 2022-05-30. Review status: criteria provided, single submitter. Criteria: Ambry Variant Classification Scheme 2023. Collection method: clinical testing. Allele origin: germline.
Comment: The p.E2727A variant (also known as c.8180A>C), located in coding exon 56 of the NF1 gene, results from an A to C substitution at nucleotide position 8180. The glutamic acid at codon 2727 is replaced by alanine, an amino acid with dissimilar properties. This amino acid position is conserved. In addition, this alteration is predicted to be tolerated by in silico analysis. Since supporting evidence is limited at this time, the clinical significance of this alteration remains unclear.

NM_001042492.3(NF1):c.8243A>C (p.Glu2748Ala)

Gene: NF1 (neurofibromin 1; plus strand). Cytogenetic location: 17q11.2.
Variant type: single nucleotide variant.
Coding change: c.8243A>C on transcript NM_001042492.3 (MANE Select); coding-DNA position 8243, A replaced by C.
Protein change: p.Glu2748Ala; replaces glutamic acid 2748 with alanine.
Molecular consequence: missense variant.
Genome position (GRCh38, 1-based): chr17:31,360,569, A>C. VCF-style: chr17-31360569-A-C. GRCh37 (hg19) VCF-style: chr17-29687587-A-C.
Other names: c.8180A>C, p.Glu2727Ala (NM_000267.4); short protein forms E2727A, E2748A.
Identifiers: ClinVar variation 1762317 (VCV001762317.5), dbSNP rs2151587902, ClinGen allele CA399204648.
Genomic context (GRCh38, chr17:31,360,569, plus strand): 5'-CTGAGCTTATTGTTAAGTTTCTTGATGCCTTGATTGACACGTACCTGCCTGGAATTGATG[A>C]AGAAACCAGTGAAGAATCCCTCCTGACTCCCACATCTCCTTACCCTCCTGCACTGCAGAG-3'
Protein context (NP_001035957.1, residues 2738-2758): LIDTYLPGID[Glu2748Ala]ETSEESLLTP